The following is an entry in ClinVar:

NM_003070.5(SMARCA2):c.1737G>A (p.Pro579=)

Gene: SMARCA2 (SWI/SNF related BAF chromatin remodeling complex subunit ATPase 2; plus strand). Cytogenetic location: 9p24.3.
Variant type: single nucleotide variant.
Coding change: c.1737G>A on transcript NM_003070.5 (MANE Select); coding-DNA position 1737, G replaced by A.
Protein change: p.Pro579=; no amino-acid change (proline 579 retained).
Molecular consequence: synonymous variant.
Genome position (GRCh38, 1-based): chr9:2,070,462, G>A. VCF-style: chr9-2070462-G-A. GRCh37 (hg19) VCF-style: chr9-2070462-G-A.
Other names: c.1737G>A, p.Pro579= (NM_001289396.2, NM_001289397.2, NM_139045.4).
Identifiers: ClinVar variation 366206 (VCV000366206.12), dbSNP rs371544356, ClinGen allele CA4963256.

ClinVar aggregate classification (germline): Benign/Likely benign. Review status: criteria provided, multiple submitters, no conflicts (2 of 4 stars). 4 submissions from 4 submitters: Benign (1); Likely benign (2). 1 of the submissions does not count toward it. Last evaluated 2024-04-05.

Conditions:
SMARCA2-related disorder. Also called: SMARCA2-related condition.
Nicolaides-Baraitser syndrome (NCBRS). Also called: SMARCA2-Related Nicolaides-Baraitser Syndrome; Intellectual disability-sparse hair-brachydactyly syndrome. Identifiers: Orphanet 3051, MedGen C1303073, MONDO:0011053, OMIM 601358.

Allele frequency attached by ClinVar (database versions not stated): ExAC 0.00005; gnomAD 0.00007 and 0.00009; gnomAD exomes 0.00007; 1000 Genomes Project 0.00020; TOPMed 0.00010; 1000 Genomes Project 30x 0.00016; ESP Exome Variant Server 0.00008.
gnomAD v4.1: 222 of 1,613,092 alleles (0.014%); highest among the groups gnomAD compares: East Asian, 0.018%; no homozygotes.

Submissions (4):

Labcorp Genetics (formerly Invitae), Labcorp
Classification: Likely benign. Last evaluated: 2024-04-05. Review status: criteria provided, single submitter. Criteria: Invitae Variant Classification Sherloc (09022015). Collection method: clinical testing. Allele origin: germline.

GeneDx
Classification: Likely benign. Last evaluated: 2021-04-07. Review status: criteria provided, single submitter. Criteria: GeneDx Variant Classification Process June 2021. Collection method: clinical testing. Allele origin: germline. Affected: yes.

Illumina Laboratory Services, Illumina
Classification: Benign for Nicolaides-Baraitser syndrome. Last evaluated: 2018-01-12. Review status: criteria provided, single submitter. Criteria: ICSL Variant Classification Criteria 13 December 2019. Collection method: clinical testing. Allele origin: germline.
Comment: This variant was observed in the ICSL laboratory as part of a predisposition screen in an ostensibly healthy population. It had not been previously curated by ICSL or reported in the Human Gene Mutation Database (HGMD: prior to June 1st, 2018), and was therefore a candidate for classification through an automated scoring system. Utilizing variant allele frequency, disease prevalence and penetrance estimates, and inheritance mode, an automated score was calculated to assess if this variant is too frequent to cause the disease. Based on the score and internal cut-off values, a variant classified as benign is not then subjected to further curation. The score for this variant resulted in a classification of benign for this disease.

PreventionGenetics, part of Exact Sciences
Classification: Likely benign for SMARCA2-related condition. Last evaluated: 2023-07-28. Review status: no assertion criteria provided. Collection method: clinical testing. Allele origin: germline. Not counted in ClinVar's aggregate classification.
Comment: This variant is classified as likely benign based on ACMG/AMP sequence variant interpretation guidelines (Richards et al. 2015 PMID: 25741868, with internal and published modifications).